The following is an entry in ClinVar:

ClinVar aggregate classification (germline): Uncertain significance (1 of 4 stars; one submission).

Conditions:
Ehlers-Danlos syndrome, type 4 (EDSVASC). Also called: Ehlers-Danlos syndrome vascular type; Ehlers Danlos syndrome, ecchymotic type; Ehlers Danlos syndrome, arterial type; Ehlers Danlos syndrome, Sack-Barabas type; Ehlers-Danlos Syndrome Type IV. Identifiers: Orphanet 286, MedGen C0268338, MONDO:0017314, OMIM 130050.

Submission:

Labcorp Genetics (formerly Invitae), Labcorp
Classification: Uncertain significance for Ehlers-Danlos syndrome, type 4. Last evaluated: 2023-03-14. Review status: criteria provided, single submitter. Criteria: Invitae Variant Classification Sherloc (09022015). Collection method: clinical testing. Allele origin: germline.
Comment: In summary, the available evidence is currently insufficient to determine the role of this variant in disease. Therefore, it has been classified as a Variant of Uncertain Significance. Advanced modeling of protein sequence and biophysical properties (such as structural, functional, and spatial information, amino acid conservation, physicochemical variation, residue mobility, and thermodynamic stability) performed at Invitae indicates that this missense variant is not expected to disrupt COL3A1 protein function. This variant has not been reported in the literature in individuals affected with COL3A1-related conditions. This variant is not present in population databases (gnomAD no frequency). This sequence change replaces serine, which is neutral and polar, with glycine, which is neutral and non-polar, at codon 865 of the COL3A1 protein (p.Ser865Gly).

NM_000090.4(COL3A1):c.2593A>G (p.Ser865Gly)

Gene: COL3A1 (collagen type III alpha 1 chain; plus strand). Cytogenetic location: 2q32.2.
Variant type: single nucleotide variant.
Coding change: c.2593A>G on transcript NM_000090.4 (MANE Select); coding-DNA position 2593, A replaced by G.
Protein change: p.Ser865Gly; replaces serine 865 with glycine.
Molecular consequence: missense variant.
Genome position (GRCh38, 1-based): chr2:189,003,450, A>G. VCF-style: chr2-189003450-A-G. GRCh37 (hg19) VCF-style: chr2-189868176-A-G.
Other names: short protein forms S865G.
Identifiers: ClinVar variation 2853194 (VCV002853194.3), dbSNP rs2469152193, ClinGen allele CA349843501.